The following is an entry in ClinVar:

ClinVar aggregate classification (germline): Uncertain significance. Review status: criteria provided, multiple submitters, no conflicts (2 of 4 stars). 2 submissions from 2 submitters: Uncertain significance (2). Last evaluated 2023-06-12.

Allele frequency attached by ClinVar (database versions not stated): gnomAD 0.00001; TOPMed 0.00001.
gnomAD v4.1: 10 of 1,613,582 alleles (0.00062%); highest among the groups gnomAD compares: Admixed American, 0.0017%; no homozygotes.

Submissions (2):

Greenwood Genetic Center Diagnostic Laboratories, Greenwood Genetic Center
Classification: Uncertain significance. Last evaluated: 2023-06-12. Review status: criteria provided, single submitter. Criteria: ACMG Guidelines, 2015. Collection method: clinical testing. Allele origin: germline. Affected: yes.
Comment: Gene of Uncertain Significance

Ambry Genetics
Classification: Uncertain significance. Last evaluated: 2021-07-09. Review status: criteria provided, single submitter. Criteria: Ambry Variant Classification Scheme 2023. Collection method: clinical testing. Allele origin: germline.

NM_001003699.4(RREB1):c.3713C>T (p.Ser1238Leu)

Gene: RREB1 (ras responsive element binding protein 1; plus strand). Cytogenetic location: 6p24.3.
Variant type: single nucleotide variant.
Coding change: c.3713C>T on transcript NM_001003699.4 (MANE Select); coding-DNA position 3713, C replaced by T.
Protein change: p.Ser1238Leu; replaces serine 1238 with leucine.
Molecular consequence: missense variant.
Genome position (GRCh38, 1-based): chr6:7,231,812, C>T. VCF-style: chr6-7231812-C-T. GRCh37 (hg19) VCF-style: chr6-7232045-C-T.
Other names: c.3713C>T, p.Ser1238Leu (NM_001003698.4, NM_001003700.2, NM_001168344.2); short protein forms S1238L.
Identifiers: ClinVar variation 2236196 (VCV002236196.3), dbSNP rs1253944842, ClinGen allele CA362643918.
Genomic context (GRCh38, chr6:7,231,812, plus strand): 5'-CCAGTGATGAAGAGCAGGGCAGTCCCCCAGAAGACAAGCTGCTGAGGGCCAAGCGGAACT[C>T]GTACACCAACTGCCTGCAGAAGATCACCTGTCCCCACTGTCCCCGGGTTTTCCCTTGGGC-3'
Protein context (NP_001003699.1, residues 1228-1248): EDKLLRAKRN[Ser1238Leu]YTNCLQKITC